The following is an entry in ClinVar:

ClinVar aggregate classification (germline): Likely pathogenic (1 of 4 stars; one submission).

Conditions:
Glycogen storage disease type III (GSD3). Also called: FORBES DISEASE; Cori disease. Identifiers: Orphanet 366, MedGen C0017922, MONDO:0009291, OMIM 232400.

Submission:

Natera, Inc.
Classification: Likely pathogenic for Glycogen storage disease type III. Last evaluated: 2024-03-04. Review status: criteria provided, single submitter. Criteria: Natera Variant Classification Schema (03/2026). Collection method: clinical testing. Allele origin: germline.
Comment: The c.3523_3525delCTCinsTT variant in AGL is a frameshift variant predicted to shift the reading frame beginning at codon 1176 and leads to a stop codon 51 codons downstream. This variant is expected to result in nonsense mediated decay, truncation, or a dysfunctional protein product. This variant is rare in the general population with a frequency below the threshold expected for the associated phenotype(s). Given the available evidence, this variant is classified as Likely Pathogenic.

NM_000642.3(AGL):c.3523_3525delinsTT (p.Lys1176fs)

Gene: AGL (amylo-alpha-1,6-glucosidase and 4-alpha-glucanotransferase; plus strand). Cytogenetic location: 1p21.2.
Variant type: Indel.
Coding change: c.3523_3525delinsTT on transcript NM_000642.3 (MANE Select); coding-DNA positions 3523 to 3525, CTC replaced by TT.
Protein change: p.Lys1176fs; shifts the reading frame from lysine 1176.
Molecular consequence: frameshift variant.
Genome position (GRCh38, 1-based): chr1:99,900,796-99,900,798, CTC replaced by TT. VCF-style: chr1-99900796-CTC-TT. GRCh37 (hg19) VCF-style: chr1-100366352-CTC-TT.
Other names: c.3523_3525delinsTT, p.Lys1176fs (NM_000643.3, NM_000644.3, NM_001425325.1 and 1 more transcripts); c.3475_3477delinsTT, p.Lys1160fs (NM_000646.3); c.3502_3504delinsTT, p.Lys1169fs (NM_001425326.1); c.3322_3324delinsTT, p.Lys1109fs (NM_001425327.1); c.3319_3321delinsTT, p.Lys1108fs (NM_001425328.1); c.3184_3186delinsTT, p.Lys1063fs (NM_001425329.1); c.3145_3147delinsTT, p.Lys1050fs (NM_001425332.1); short protein forms K1050fs, K1063fs, K1108fs, K1109fs, K1160fs, K1169fs, K1176fs.
Identifiers: ClinVar variation 4814446 (VCV004814446.1).